The following is an entry in ClinVar:

NM_020166.5(MCCC1):c.1189C>T (p.Pro397Ser)

Gene: MCCC1 (methylcrotonyl-CoA carboxylase subunit 1; minus strand). Cytogenetic location: 3q27.1.
Variant type: single nucleotide variant.
Coding change: c.1189C>T on transcript NM_020166.5 (MANE Select); coding-DNA position 1189, C replaced by T.
Protein change: p.Pro397Ser; replaces proline 397 with serine.
Molecular consequence: missense variant. On other transcripts: non-coding transcript variant (2).
Genome position (GRCh38, 1-based): chr3:183,041,645, G>A on the plus strand (C>T on the coding strand, the complement: MCCC1 is on the minus strand). VCF-style: chr3-183041645-G-A. GRCh37 (hg19) VCF-style: chr3-182759433-G-A.
Other names: c.838C>T, p.Pro280Ser (NM_001293273.2); c.862C>T, p.Pro288Ser (NM_001363880.1); short protein forms P280S, P397S, P288S.
Identifiers: ClinVar variation 4760915 (VCV004760915.1).

ClinVar aggregate classification (germline): Uncertain significance (1 of 4 stars; one submission).

Conditions:
3-methylcrotonyl-CoA carboxylase 1 deficiency (MCC1D). Also called: MCCD TYPE 1; METHYLCROTONYLGLYCINURIA TYPE I; MCC 1 deficiency; 3 Alpha methylcrotonylglycinuria 1. Identifiers: Orphanet 6, MedGen CN028786, MONDO:0008861, OMIM 210200.

Submission:

Labcorp Genetics (formerly Invitae), Labcorp
Classification: Uncertain significance for 3-methylcrotonyl-CoA carboxylase 1 deficiency. Last evaluated: 2025-09-28. Review status: criteria provided, single submitter. Criteria: Invitae Variant Classification Sherloc (09022015). Collection method: clinical testing. Allele origin: germline.
Comment: This sequence change replaces proline, which is neutral and non-polar, with serine, which is neutral and polar, at codon 397 of the MCCC1 protein (p.Pro397Ser). This variant is not present in population databases (gnomAD no frequency). This variant has not been reported in the literature in individuals affected with MCCC1-related conditions. Invitae Evidence Modeling of protein sequence and biophysical properties (such as structural, functional, and spatial information, amino acid conservation, physicochemical variation, residue mobility, and thermodynamic stability) indicates that this missense variant is expected to disrupt MCCC1 protein function with a positive predictive value of 95%. In summary, the available evidence is currently insufficient to determine the role of this variant in disease. Therefore, it has been classified as a Variant of Uncertain Significance.